The following is an entry in ClinVar:

ClinVar aggregate classification (germline): Benign/Likely benign. Review status: criteria provided, multiple submitters, no conflicts (2 of 4 stars). 2 submissions from 2 submitters: Benign (1); Likely benign (1). Last evaluated 2024-08-28.

Conditions:
Fanconi anemia complementation group J. Also called: BRIP1-Related Fanconi Anemia. Identifiers: Orphanet 84, MedGen C1836860, MONDO:0012187, OMIM 609054.
Familial cancer of breast. Also called: hereditary breast carcinoma; BREAST CANCER, FAMILIAL; Hereditary breast cancer. Identifiers: Orphanet 227535, MedGen C0346153, MONDO:0016419, OMIM 114480. Disease mechanism: loss of function.

Submissions (2):

Myriad Genetics, Inc.
Classification: Benign for Familial cancer of breast. Last evaluated: 2024-08-28. Review status: criteria provided, single submitter. Criteria: Myriad Autosomal Dominant, Autosomal Recessive and X-Linked Classification Criteria (2023). Collection method: clinical testing. Allele origin: unknown.
Comment: This variant is considered benign. This variant is a silent/synonymous amino acid change and it is not expected to impact splicing.

Labcorp Genetics (formerly Invitae), Labcorp
Classification: Likely benign for Familial cancer of breast; Fanconi anemia complementation group J. Last evaluated: 2023-12-21. Review status: criteria provided, single submitter. Criteria: Invitae Variant Classification Sherloc (09022015). Collection method: clinical testing. Allele origin: germline.

NM_032043.3(BRIP1):c.1503G>A (p.Glu501=)

Gene: BRIP1 (BRCA1 interacting DNA helicase 1; minus strand). Cytogenetic location: 17q23.2.
Variant type: single nucleotide variant.
Coding change: c.1503G>A on transcript NM_032043.3 (MANE Select); coding-DNA position 1503, G replaced by A.
Protein change: p.Glu501=; no amino-acid change (glutamic acid 501 retained).
Molecular consequence: synonymous variant.
Genome position (GRCh38, 1-based): chr17:61,784,395, C>T on the plus strand (G>A on the coding strand, the complement: BRIP1 is on the minus strand). VCF-style: chr17-61784395-C-T. GRCh37 (hg19) VCF-style: chr17-59861756-C-T.
Identifiers: ClinVar variation 2921609 (VCV002921609.4), dbSNP rs2077671917, ClinGen allele CA501150790.